The following is an entry in ClinVar:

NM_005896.4(IDH1):c.187G>C (p.Ala63Pro)

Gene: IDH1 (isocitrate dehydrogenase (NADP(+)) 1; minus strand). Cytogenetic location: 2q34.
Variant type: single nucleotide variant.
Coding change: c.187G>C on transcript NM_005896.4 (MANE Select); coding-DNA position 187, G replaced by C.
Protein change: p.Ala63Pro; replaces alanine 63 with proline.
Molecular consequence: missense variant.
Genome position (GRCh38, 1-based): chr2:208,248,596, C>G on the plus strand (G>C on the coding strand, the complement: IDH1 is on the minus strand). VCF-style: chr2-208248596-C-G. GRCh37 (hg19) VCF-style: chr2-209113320-C-G.
Other names: c.187G>C, p.Ala63Pro (NM_001282386.1, NM_001282387.1); short protein forms A63P.
Identifiers: ClinVar variation 1781868 (VCV001781868.2), dbSNP rs2124863764, ClinGen allele CA350102425.

ClinVar aggregate classification (germline): Uncertain significance (1 of 4 stars; one submission).

gnomAD v4.1: 1 of 1,614,128 alleles (0.000062%); highest among the groups gnomAD compares: South Asian, 0.0011%; no homozygotes.

Submission:

Ambry Genetics
Classification: Uncertain significance. Last evaluated: 2022-07-23. Review status: criteria provided, single submitter. Criteria: Ambry Variant Classification Scheme 2023. Collection method: clinical testing. Allele origin: germline.
Comment: The p.A63P variant (also known as c.187G>C), located in coding exon 2 of the IDH1 gene, results from a G to C substitution at nucleotide position 187. The alanine at codon 63 is replaced by proline, an amino acid with highly similar properties. This amino acid position is conserved. In addition, this alteration is predicted to be deleterious by in silico analysis. Since supporting evidence is limited at this time, the clinical significance of this alteration remains unclear.